The following is an entry in ClinVar:

ClinVar aggregate classification (germline): Conflicting classifications of pathogenicity. Review status: criteria provided, conflicting classifications (1 of 4 stars). 2 submissions from 2 submitters: Uncertain significance (1); Likely benign (1). Last evaluated 2023-03-23.

Conditions:
Hereditary cancer-predisposing syndrome. Also called: Hereditary Cancer Syndrome; Hereditary neoplastic syndrome; Neoplastic Syndromes, Hereditary; Tumor predisposition. Identifiers: Orphanet 140162, MedGen C0027672, MeSH D009386, MONDO:0015356.

Submissions (2):

University of Washington Department of Laboratory Medicine, University of Washington
Classification: Likely benign for Hereditary cancer-predisposing syndrome. Last evaluated: 2023-03-23. Review status: criteria provided, single submitter. Criteria: Dines et al. (Genet Med. 2020). Collection method: curation. Allele origin: germline.
Comment: Missense variant in a coldspot region where missense variants are very unlikely to be pathogenic (PMID:31911673).

BRCA2 exon 11 coldspot. Reclassification based on statistical prior probability.

Ambry Genetics
Classification: Uncertain significance for Hereditary cancer-predisposing syndrome. Last evaluated: 2021-03-23. Review status: criteria provided, single submitter. Criteria: Ambry Variant Classification Scheme 2023. Collection method: clinical testing. Allele origin: germline.
Comment: The p.E1581G variant (also known as c.4742A>G), located in coding exon 10 of the BRCA2 gene, results from an A to G substitution at nucleotide position 4742. The glutamic acid at codon 1581 is replaced by glycine, an amino acid with similar properties. This amino acid position is not well conserved in available vertebrate species. In addition, this alteration is predicted to be tolerated by in silico analysis. Since supporting evidence is limited at this time, the clinical significance of this alteration remains unclear.

NM_000059.4(BRCA2):c.4742A>G (p.Glu1581Gly)

Gene: BRCA2 (BRCA2 DNA repair associated; plus strand). Cytogenetic location: 13q13.1.
Variant type: single nucleotide variant.
Coding change: c.4742A>G on transcript NM_000059.4 (MANE Select); coding-DNA position 4742, A replaced by G.
Protein change: p.Glu1581Gly; replaces glutamic acid 1581 with glycine.
Molecular consequence: missense variant.
Genome position (GRCh38, 1-based): chr13:32,339,097, A>G. VCF-style: chr13-32339097-A-G. GRCh37 (hg19) VCF-style: chr13-32913234-A-G.
Other names: c.4742A>G, p.Glu1581Gly (NM_001406719.1, NM_001406720.1); short protein forms E1581G.
Identifiers: ClinVar variation 1742777 (VCV001742777.4), dbSNP rs2137509728, ClinGen allele CA387783062.